The following is an entry in ClinVar:

ClinVar aggregate classification (germline): Benign/Likely benign. Review status: criteria provided, multiple submitters, no conflicts (2 of 4 stars). 19 submissions from 15 submitters: Benign (13); Likely benign (1). 5 of the submissions do not count toward it. Last evaluated 2026-02-04.

Conditions:
Amyotrophic lateral sclerosis type 11 (ALS11). Identifiers: Orphanet 803, MedGen C2675491, MONDO:0012945, OMIM 612577.
Charcot-Marie-Tooth disease. Also called: Charcot-Marie-Tooth Hereditary Neuropathy; Charcot-Marie-Tooth Neuropathy. Identifiers: Orphanet 166, MedGen C0007959, MONDO:0015626.
Charcot-Marie-Tooth disease type 4J (CMT4J). Also called: Charcot-Marie-Tooth Neuropathy Type 4J; CHARCOT-MARIE-TOOTH DISEASE, AUTOSOMAL RECESSIVE, TYPE 4J; CHARCOT-MARIE-TOOTH DISEASE, DEMYELINATING, TYPE 4J. Identifiers: Orphanet 139515, MedGen C1970011, MONDO:0012640, OMIM 611228.
Bilateral parasagittal parieto-occipital polymicrogyria. Also called: Polymicrogyria, bilateral temporooccipital. Identifiers: Orphanet 208441, MedGen C4013648, MONDO:0012986, OMIM 612691.
Charcot-Marie-Tooth disease type 4. Also called: Charcot-Marie-Tooth, Type 4; Charcot-Marie-Tooth disease, type IV. Identifiers: Orphanet 64749, MedGen C4082197, MONDO:0018995.
Yunis-Varon syndrome (YVS). Also called: Cleidocranial dysplasia, micrognathia, absent thumbs, & distal aphalangia. Identifiers: Orphanet 3472, MedGen C1857663, MONDO:0008995, OMIM 216340.

Allele frequency attached by ClinVar (database versions not stated): 1000 Genomes Project 0.35883; 1000 Genomes Project 30x 0.36290; TOPMed 0.47772; gnomAD 0.48882 and 0.49269; ESP Exome Variant Server 0.51423.
gnomAD v4.1: 907,951 of 1,518,784 alleles (60%); highest among the groups gnomAD compares: Non-Finnish European, 67%; 287,180 homozygotes.

Submissions (19):

Labcorp Genetics (formerly Invitae), Labcorp
Classification: Benign for Charcot-Marie-Tooth disease type 4. Last evaluated: 2026-02-04. Review status: criteria provided, single submitter. Criteria: Invitae Variant Classification Sherloc (09022015). Collection method: clinical testing. Allele origin: germline.

Blueprint Genetics
Classification: Likely benign. Last evaluated: 2024-11-27. Review status: criteria provided, single submitter. Criteria: ACMG Guidelines, 2015. Collection method: clinical testing. Allele origin: germline.

Mayo Clinic Laboratories, Mayo Clinic
Classification: Benign. Last evaluated: 2022-12-20. Review status: criteria provided, single submitter. Criteria: ACMG Guidelines, 2015. Collection method: clinical testing. Allele origin: germline. Observed: 2,431 variant alleles.

Genome-Nilou Lab
Classification: Benign for Bilateral parasagittal parieto-occipital polymicrogyria. Last evaluated: 2021-08-10. Review status: criteria provided, single submitter. Criteria: ACMG Guidelines, 2015. Collection method: clinical testing. Allele origin: germline. Affected: no.

Genome-Nilou Lab
Classification: Benign for Amyotrophic lateral sclerosis type 11. Last evaluated: 2021-08-10. Review status: criteria provided, single submitter. Criteria: ACMG Guidelines, 2015. Collection method: clinical testing. Allele origin: germline. Affected: no.

Genome-Nilou Lab
Classification: Benign for Charcot-Marie-Tooth disease type 4J. Last evaluated: 2021-08-10. Review status: criteria provided, single submitter. Criteria: ACMG Guidelines, 2015. Collection method: clinical testing. Allele origin: germline. Affected: no.

Genome-Nilou Lab
Classification: Benign for Yunis-Varon syndrome. Last evaluated: 2021-08-10. Review status: criteria provided, single submitter. Criteria: ACMG Guidelines, 2015. Collection method: clinical testing. Allele origin: germline. Affected: no.

Athena Diagnostics
Classification: Benign. Last evaluated: 2021-04-22. Review status: criteria provided, single submitter. Criteria: Athena Diagnostics Criteria. Collection method: clinical testing. Allele origin: unknown.

Illumina Laboratory Services, Illumina
Classification: Benign for Charcot-Marie-Tooth disease type 4J. Last evaluated: 2018-01-12. Review status: criteria provided, single submitter. Criteria: ICSL Variant Classification Criteria 13 December 2019. Collection method: clinical testing. Allele origin: germline.
Comment: This variant was observed in the ICSL laboratory as part of a predisposition screen in an ostensibly healthy population. It had not been previously curated by ICSL or reported in the Human Gene Mutation Database (HGMD: prior to June 1st, 2018), and was therefore a candidate for classification through an automated scoring system. Utilizing variant allele frequency, disease prevalence and penetrance estimates, and inheritance mode, an automated score was calculated to assess if this variant is too frequent to cause the disease. Based on the score and internal cut-off values, a variant classified as benign is not then subjected to further curation. The score for this variant resulted in a classification of benign for this disease.

Illumina Laboratory Services, Illumina
Classification: Benign for Amyotrophic lateral sclerosis type 11. Last evaluated: 2018-01-12. Review status: criteria provided, single submitter. Criteria: ICSL Variant Classification Criteria 13 December 2019. Collection method: clinical testing. Allele origin: germline.
Comment: the same text as in the submission from Illumina Laboratory Services, Illumina above.

Eurofins Ntd Llc (ga)
Classification: Benign. Last evaluated: 2015-09-22. Review status: criteria provided, single submitter. Criteria: EGL Classification Definitions 2015. Collection method: clinical testing. Allele origin: germline. Observed: 1 variant allele, 1 homozygote.

GeneDx
Classification: Benign. Last evaluated: 2015-03-03. Review status: criteria provided, single submitter. Criteria: GeneDx Variant Classification Process June 2021. Collection method: clinical testing. Allele origin: germline. Affected: yes.

Molecular Genetics Laboratory, London Health Sciences Centre
Classification: Benign for Charcot-Marie-Tooth disease. Review status: criteria provided, single submitter. Criteria: ACMG Guidelines, 2015. Collection method: clinical testing. Allele origin: germline. Affected: yes.

PreventionGenetics, part of Exact Sciences
Classification: Benign. Review status: criteria provided, single submitter. Criteria: ACMG Guidelines, 2015. Collection method: clinical testing. Allele origin: germline.

Clinical Genetics DNA and cytogenetics Diagnostics Lab, Erasmus MC, Erasmus Medical Center
Classification: Benign. Review status: no assertion criteria provided. Collection method: clinical testing. Allele origin: germline. Affected: yes. Study: VKGL Data-share Consensus. Not counted in ClinVar's aggregate classification.

Clinical Genetics, Academic Medical Center
Classification: Benign. Review status: no assertion criteria provided. Collection method: clinical testing. Allele origin: germline. Affected: yes. Study: VKGL Data-share Consensus. Not counted in ClinVar's aggregate classification.

Diagnostic Laboratory, Department of Genetics, University Medical Center Groningen
Classification: Benign. Review status: no assertion criteria provided. Collection method: clinical testing. Allele origin: germline. Affected: yes. Study: VKGL Data-share Consensus. Not counted in ClinVar's aggregate classification.

Genome Diagnostics Laboratory, Amsterdam University Medical Center
Classification: Benign. Review status: no assertion criteria provided. Collection method: clinical testing. Allele origin: germline. Affected: yes. Study: VKGL Data-share Consensus. Not counted in ClinVar's aggregate classification.

Genome Diagnostics Laboratory, University Medical Center Utrecht
Classification: Benign. Review status: no assertion criteria provided. Collection method: clinical testing. Allele origin: germline. Affected: yes. Study: VKGL Data-share Consensus. Not counted in ClinVar's aggregate classification.

NM_014845.6(FIG4):c.1948+3A>G

Gene: FIG4 (FIG4 phosphoinositide 5-phosphatase; plus strand). Cytogenetic location: 6q21.
Variant type: single nucleotide variant.
Coding change: c.1948+3A>G on transcript NM_014845.6 (MANE Select); 3 bases into the intron after coding-DNA position 1948, A replaced by G.
Molecular consequence: intron variant.
Genome position (GRCh38, 1-based): chr6:109,785,031, A>G. VCF-style: chr6-109785031-A-G. GRCh37 (hg19) VCF-style: chr6-110106234-A-G.
Other names: p.?.
Identifiers: ClinVar variation 260447 (VCV000260447.32), dbSNP rs10499054, ClinGen allele CA3956234.